The following is an entry in ClinVar:

ClinVar aggregate classification (germline): Likely benign (1 of 4 stars; one submission).

Allele frequency attached by ClinVar (database versions not stated): ExAC 0.00003; gnomAD exomes 0.00001.
gnomAD v4.1: 10 of 1,599,440 alleles (0.00063%); highest among the groups gnomAD compares: Non-Finnish European, 0.00086%; no homozygotes.

Submission:

GeneDx
Classification: Likely benign. Last evaluated: 2016-01-18. Review status: criteria provided, single submitter. Criteria: GeneDx Variant Classification (06012015). Collection method: clinical testing. Allele origin: germline. Affected: yes.
Comment: This variant is considered likely benign or benign based on one or more of the following criteria: it is a conservative change, it occurs at a poorly conserved position in the protein, it is predicted to be benign by multiple in silico algorithms, and/or has population frequency not consistent with disease.

NM_016464.5(TMEM138):c.377-8C>G

Gene: TMEM138 (transmembrane protein 138; plus strand). Cytogenetic location: 11q12.2.
Variant type: single nucleotide variant.
Coding change: c.377-8C>G on transcript NM_016464.5 (MANE Select); 8 bases into the intron before coding-DNA position 377, C replaced by G.
Molecular consequence: intron variant.
Genome position (GRCh38, 1-based): chr11:61,368,589, C>G. VCF-style: chr11-61368589-C-G. GRCh37 (hg19) VCF-style: chr11-61136061-C-G.
Other names: c.203-8C>G (NM_001330281.2).
Identifiers: ClinVar variation 382230 (VCV000382230.1), dbSNP rs770714945, ClinGen allele CA6034644.
Genomic context (GRCh38, chr11:61,368,589, plus strand): 5'-TTCTGTTCTTAACCTGAAATGATACTCAGGAGCACCCCTGAGGCTTCTCTTCTGCTTCCT[C>G]CCCACAGCAGCAGTGTTGTACTGCTACTTCTATAAACGGACAGCCGTAAGACTAGGCGAT-3'